The following is an entry in ClinVar:

NM_000059.4(BRCA2):c.9058T>C (p.Ser3020Pro)

Gene: BRCA2 (BRCA2 DNA repair associated; plus strand). Cytogenetic location: 13q13.1.
Variant type: single nucleotide variant.
Coding change: c.9058T>C on transcript NM_000059.4 (MANE Select); coding-DNA position 9058, T replaced by C.
Protein change: p.Ser3020Pro; replaces serine 3020 with proline.
Molecular consequence: missense variant.
Genome position (GRCh38, 1-based): chr13:32,379,854, T>C. VCF-style: chr13-32379854-T-C. GRCh37 (hg19) VCF-style: chr13-32953991-T-C.
Other names: short protein forms S3020P.
Identifiers: ClinVar variation 140967 (VCV000140967.19), dbSNP rs587781403, ClinGen allele CA025948.

ClinVar aggregate classification (germline): Conflicting classifications of pathogenicity. Review status: criteria provided, conflicting classifications (1 of 4 stars). 3 submissions from 3 submitters: Uncertain significance (2); Likely benign (1). Last evaluated 2026-02-03.

Conditions:
Hereditary cancer-predisposing syndrome. Also called: Neoplastic Syndromes, Hereditary; Tumor predisposition; Hereditary Cancer Syndrome; Hereditary neoplastic syndrome. Identifiers: Orphanet 140162, MedGen C0027672, MeSH D009386, MONDO:0015356.
Hereditary breast ovarian cancer syndrome. Also called: Breast and ovarian cancer; Hereditary breast and ovarian cancer; Hereditary breast and/or ovarian cancer syndrome; BRCA1- and BRCA2-Associated Hereditary Breast and Ovarian Cancer; Hereditary breast and ovarian cancer syndrome; Hereditary breast and ovarian cancer syndrome (HBOC). Identifiers: Orphanet 145, MedGen C0677776, MeSH D061325, MONDO:0003582. Disease mechanism: loss of function.

Submissions (3):

Labcorp Genetics (formerly Invitae), Labcorp
Classification: Uncertain significance for Hereditary breast ovarian cancer syndrome. Last evaluated: 2026-02-03. Review status: criteria provided, single submitter. Criteria: Invitae Variant Classification Sherloc (09022015). Collection method: clinical testing. Allele origin: germline.
Comment: This sequence change replaces serine, which is neutral and polar, with proline, which is neutral and non-polar, at codon 3020 of the BRCA2 protein (p.Ser3020Pro). This variant is not present in population databases (gnomAD no frequency). This variant has not been reported in the literature in individuals affected with BRCA2-related conditions. ClinVar contains an entry for this variant (Variation ID: 140967). Invitae Evidence Modeling of protein sequence and biophysical properties (such as structural, functional, and spatial information, amino acid conservation, physicochemical variation, residue mobility, and thermodynamic stability) indicates that this missense variant is not expected to disrupt BRCA2 protein function with a negative predictive value of 95%. In summary, the available evidence is currently insufficient to determine the role of this variant in disease. Therefore, it has been classified as a Variant of Uncertain Significance.

Ambry Genetics
Classification: Likely benign for Hereditary cancer-predisposing syndrome. Last evaluated: 2025-05-16. Review status: criteria provided, single submitter. Criteria: Ambry Variant Classification Scheme 2023. Collection method: clinical testing. Allele origin: germline.

Color Diagnostics, LLC DBA Color Health
Classification: Uncertain significance for Hereditary cancer-predisposing syndrome. Last evaluated: 2023-12-04. Review status: criteria provided, single submitter. Criteria: ACMG Guidelines, 2015. Collection method: clinical testing. Allele origin: germline.
Comment: This missense variant replaces serine with proline at codon 3020 of the BRCA2 protein. Computational prediction suggests that this variant may not impact protein structure and function (internally defined REVEL score threshold <= 0.5, PMID: 27666373). To our knowledge, functional studies have not been reported for this variant. This variant has not been reported in individuals affected with BRCA2-related disorders in the literature. This variant has not been identified in the general population by the Genome Aggregation Database (gnomAD). The available evidence is insufficient to determine the role of this variant in disease conclusively. Therefore, this variant is classified as a Variant of Uncertain Significance.